The following is an entry in ClinVar:

NM_000541.5(SAG):c.700A>C (p.Thr234Pro)

Gene: SAG (S-antigen visual arrestin; plus strand). Cytogenetic location: 2q37.1.
Variant type: single nucleotide variant.
Coding change: c.700A>C on transcript NM_000541.5 (MANE Select); coding-DNA position 700, A replaced by C.
Protein change: p.Thr234Pro; replaces threonine 234 with proline.
Molecular consequence: missense variant.
Genome position (GRCh38, 1-based): chr2:233,329,544, A>C. VCF-style: chr2-233329544-A-C. GRCh37 (hg19) VCF-style: chr2-234238190-A-C.
Other names: short protein forms T234P.
Identifiers: ClinVar variation 2825491 (VCV002825491.3), dbSNP rs1006480626, ClinGen allele CA351047946.

ClinVar aggregate classification (germline): Uncertain significance (1 of 4 stars; one submission).

Submission:

Labcorp Genetics (formerly Invitae), Labcorp
Classification: Uncertain significance. Last evaluated: 2022-12-31. Review status: criteria provided, single submitter. Criteria: Invitae Variant Classification Sherloc (09022015). Collection method: clinical testing. Allele origin: germline.
Comment: Advanced modeling of protein sequence and biophysical properties (such as structural, functional, and spatial information, amino acid conservation, physicochemical variation, residue mobility, and thermodynamic stability) performed at Invitae indicates that this missense variant is expected to disrupt SAG protein function. In summary, the available evidence is currently insufficient to determine the role of this variant in disease. Therefore, it has been classified as a Variant of Uncertain Significance. This variant has not been reported in the literature in individuals affected with SAG-related conditions. This variant is not present in population databases (gnomAD no frequency). This sequence change replaces threonine, which is neutral and polar, with proline, which is neutral and non-polar, at codon 234 of the SAG protein (p.Thr234Pro).